The following is an entry in ClinVar:

NM_001330078.2(NRXN1):c.*18G>C

Gene: NRXN1 (neurexin 1; minus strand). Cytogenetic location: 2p16.3.
Variant type: single nucleotide variant.
Coding change: c.*18G>C on transcript NM_001330078.2 (MANE Select); 18 bases downstream of the stop codon, G replaced by C.
Molecular consequence: 3 prime UTR variant.
Genome position (GRCh38, 1-based): chr2:49,921,926, C>G on the plus strand (G>C on the coding strand, the complement: NRXN1 is on the minus strand). VCF-style: chr2-49921926-C-G. GRCh37 (hg19) VCF-style: chr2-50149064-C-G.
Other names: c.*18G>C (NM_001135659.3, NM_001320156.4, NM_001320157.4 and 17 more transcripts).
Identifiers: ClinVar variation 206198 (VCV000206198.2), dbSNP rs201303041, ClinGen allele CA316051.

ClinVar aggregate classification (germline): Benign (1 of 4 stars; one submission).

Allele frequency attached by ClinVar (database versions not stated): ExAC 0.00011; TOPMed 0.00011; ESP Exome Variant Server 0.00015; gnomAD 0.00003.
gnomAD v4.1: 118 of 1,609,576 alleles (0.0073%); highest among the groups gnomAD compares: Non-Finnish European, 0.0096%; no homozygotes.

Submission:

GeneDx
Classification: Benign. Last evaluated: 2014-09-11. Review status: criteria provided, single submitter. Criteria: GeneDx Variant Classification (06012015). Collection method: clinical testing. Allele origin: germline. Affected: yes.
Comment: This variant is considered likely benign or benign based on one or more of the following criteria: it is a conservative change, it occurs at a poorly conserved position in the protein, it is predicted to be benign by multiple in silico algorithms, and/or has population frequency not consistent with disease.